The following is an entry in ClinVar:

NM_000823.4(GHRHR):c.1105-6C>A

Gene: GHRHR (growth hormone releasing hormone receptor; plus strand). Cytogenetic location: 7p14.3.
Variant type: single nucleotide variant.
Coding change: c.1105-6C>A on transcript NM_000823.4 (MANE Select); 6 bases into the intron before coding-DNA position 1105, C replaced by A.
Molecular consequence: intron variant.
Genome position (GRCh38, 1-based): chr7:30,977,275, C>A. VCF-style: chr7-30977275-C-A. GRCh37 (hg19) VCF-style: chr7-31016890-C-A.
Identifiers: ClinVar variation 3605727 (VCV003605727.2).

ClinVar aggregate classification (germline): Uncertain significance (1 of 4 stars; one submission).

gnomAD v4.1: 64 of 1,613,748 alleles (0.004%); highest among the groups gnomAD compares: Non-Finnish European, 0.0049%; no homozygotes.

Submission:

Labcorp Genetics (formerly Invitae), Labcorp
Classification: Uncertain significance. Last evaluated: 2024-10-12. Review status: criteria provided, single submitter. Criteria: Invitae Variant Classification Sherloc (09022015). Collection method: clinical testing. Allele origin: germline.
Comment: This sequence change falls in intron 11 of the GHRHR gene. It does not directly change the encoded amino acid sequence of the GHRHR protein. This variant is present in population databases (rs765589408, gnomAD 0.004%). This variant has not been reported in the literature in individuals affected with GHRHR-related conditions. Algorithms developed to predict the effect of sequence changes on RNA splicing suggest that this variant may disrupt the consensus splice site. In summary, the available evidence is currently insufficient to determine the role of this variant in disease. Therefore, it has been classified as a Variant of Uncertain Significance.